The following is an entry in ClinVar:

NM_138691.3(TMC1):c.536-1G>A

Gene: TMC1 (transmembrane channel like 1; plus strand). Cytogenetic location: 9q21.13.
Variant type: single nucleotide variant.
Coding change: c.536-1G>A on transcript NM_138691.3 (MANE Select); the canonical splice acceptor site of the intron before coding-DNA position 536, G replaced by A.
Molecular consequence: splice acceptor variant.
Genome position (GRCh38, 1-based): chr9:72,751,849, G>A. VCF-style: chr9-72751849-G-A. GRCh37 (hg19) VCF-style: chr9-75366765-G-A.
Other names: c.536-1G>A (NM_138691.2).
Identifiers: ClinVar variation 2907390 (VCV002907390.4), dbSNP rs1207122491, ClinGen allele CA373497465.
Genomic context (GRCh38, chr9:72,751,849, plus strand): 5'-CTCTTTTTGTTTGTTTGTTTGCTTTGATCTCTCTTCAAACTTTTTATTTTCTTTGTAATA[G>A]GTCAGTTTGGCTCCTCAGTGGCCTCATACTTCCTCTTCTTGAGATGGATGTATGGAGTCA-3'

ClinVar aggregate classification (germline): Likely pathogenic. Review status: criteria provided, single submitter (1 of 4 stars). 2 submissions from 2 submitters: Likely pathogenic (1). 1 of the submissions does not count toward it. Last evaluated 2024-03-13.

Conditions:
TMC1-related disorder. Also called: TMC1-related condition; TMC1-related disorders.

Allele frequency attached by ClinVar (database versions not stated): gnomAD exomes below 0.00001; TOPMed below 0.00001.
gnomAD v4.1: 6 of 1,591,188 alleles (0.00038%); highest among the groups gnomAD compares: Non-Finnish European, 0.00052%; no homozygotes.

Submissions (2):

Labcorp Genetics (formerly Invitae), Labcorp
Classification: Likely pathogenic. Last evaluated: 2024-03-13. Review status: criteria provided, single submitter. Criteria: Invitae Variant Classification Sherloc (09022015). Collection method: clinical testing. Allele origin: germline.
Comment: This sequence change affects an acceptor splice site in intron 10 of the TMC1 gene. It is expected to disrupt RNA splicing. Variants that disrupt the donor or acceptor splice site typically lead to a loss of protein function (PMID: 16199547), and loss-of-function variants in TMC1 are known to be pathogenic (PMID: 11850618, 22105175). This variant is present in population databases (no rsID available, gnomAD 0.0009%). Disruption of this splice site has been observed in individual(s) with deafness (PMID: 29196752). Algorithms developed to predict the effect of sequence changes on RNA splicing suggest that this variant may disrupt the consensus splice site. In summary, the currently available evidence indicates that the variant is pathogenic, but additional data are needed to prove that conclusively. Therefore, this variant has been classified as Likely Pathogenic.

PreventionGenetics, part of Exact Sciences
Classification: Likely pathogenic for TMC1-related condition. Last evaluated: 2024-04-05. Review status: no assertion criteria provided. Collection method: clinical testing. Allele origin: germline. Not counted in ClinVar's aggregate classification.
Comment: The TMC1 c.536-1G>A variant is predicted to disrupt the AG splice acceptor site and interfere with normal splicing. This variant was reported in the homozygous state in an individual with congenital hearing loss (Table S2, Baux et al. 2017. PubMed ID: 29196752). This variant is reported in 0.00088% of alleles in individuals of European (Non-Finnish) descent in gnomAD. Variants that disrupt the consensus splice acceptor site in TMC1 are expected to be pathogenic. This variant is interpreted as likely pathogenic.

Literature cited by the submitters: PubMed 16199547 (cited by Labcorp Genetics (formerly Invitae), Labcorp); PubMed 11850618 (cited by Labcorp Genetics (formerly Invitae), Labcorp); PubMed 22105175 (cited by Labcorp Genetics (formerly Invitae), Labcorp); PubMed 29196752 (cited by Labcorp Genetics (formerly Invitae), Labcorp).